The following is an entry in ClinVar:

NM_005188.4(CBL):c.1579C>T (p.Leu527Phe)

Gene: CBL (Cbl proto-oncogene; plus strand). Cytogenetic location: 11q23.3.
Variant type: single nucleotide variant.
Coding change: c.1579C>T on transcript NM_005188.4 (MANE Select); coding-DNA position 1579, C replaced by T.
Protein change: p.Leu527Phe; replaces leucine 527 with phenylalanine.
Molecular consequence: missense variant.
Genome position (GRCh38, 1-based): chr11:119,285,204, C>T. VCF-style: chr11-119285204-C-T. GRCh37 (hg19) VCF-style: chr11-119155914-C-T.
Other names: short protein forms L527F.
Identifiers: ClinVar variation 2697272 (VCV002697272.3), dbSNP rs2135310285, ClinGen allele CA382918850.

ClinVar aggregate classification (germline): Uncertain significance (1 of 4 stars; one submission).

Conditions:
RASopathy. Also called: Noonan spectrum disorder; rasopathies. Identifiers: Orphanet 536391, MedGen C5555857, MONDO:0021060.

Submission:

Labcorp Genetics (formerly Invitae), Labcorp
Classification: Uncertain significance for RASopathy. Last evaluated: 2023-11-19. Review status: criteria provided, single submitter. Criteria: Invitae Variant Classification Sherloc (09022015). Collection method: clinical testing. Allele origin: germline.
Comment: This sequence change replaces leucine, which is neutral and non-polar, with phenylalanine, which is neutral and non-polar, at codon 527 of the CBL protein (p.Leu527Phe). This variant is not present in population databases (gnomAD no frequency). This variant has not been reported in the literature in individuals affected with CBL-related conditions. Advanced modeling of protein sequence and biophysical properties (such as structural, functional, and spatial information, amino acid conservation, physicochemical variation, residue mobility, and thermodynamic stability) performed at Invitae indicates that this missense variant is not expected to disrupt CBL protein function with a negative predictive value of 95%. In summary, the available evidence is currently insufficient to determine the role of this variant in disease. Therefore, it has been classified as a Variant of Uncertain Significance.